The following is an entry in ClinVar:

ClinVar aggregate classification (germline): Uncertain significance. Review status: criteria provided, multiple submitters, no conflicts (2 of 4 stars). 2 submissions from 2 submitters: Uncertain significance (2). Last evaluated 2024-10-02.

Conditions:
Fanconi anemia (FA). Also called: Fanconi's anemia. Identifiers: Orphanet 84, MedGen C0015625, MeSH D005199, MONDO:0019391.

Submissions (2):

Labcorp Genetics (formerly Invitae), Labcorp
Classification: Uncertain significance for Fanconi anemia. Last evaluated: 2024-10-02. Review status: criteria provided, single submitter. Criteria: Invitae Variant Classification Sherloc (09022015). Collection method: clinical testing. Allele origin: germline.
Comment: This sequence change replaces leucine, which is neutral and non-polar, with phenylalanine, which is neutral and non-polar, at codon 812 of the FANCA protein (p.Leu812Phe). This variant is not present in population databases (gnomAD no frequency). This variant has not been reported in the literature in individuals affected with FANCA-related conditions. ClinVar contains an entry for this variant (Variation ID: 2576805). Invitae Evidence Modeling of protein sequence and biophysical properties (such as structural, functional, and spatial information, amino acid conservation, physicochemical variation, residue mobility, and thermodynamic stability) has been performed for this missense variant. However, the output from this modeling did not meet the statistical confidence thresholds required to predict the impact of this variant on FANCA protein function. In summary, the available evidence is currently insufficient to determine the role of this variant in disease. Therefore, it has been classified as a Variant of Uncertain Significance.

GeneDx
Classification: Uncertain significance. Last evaluated: 2023-02-09. Review status: criteria provided, single submitter. Criteria: GeneDx Variant Classification Process June 2021. Collection method: clinical testing. Allele origin: germline. Affected: yes.
Comment: Not observed at significant frequency in large population cohorts (gnomAD); In silico analysis supports that this missense variant does not alter protein structure/function; Has not been previously published as pathogenic or benign to our knowledge

NM_000135.4(FANCA):c.2434C>T (p.Leu812Phe)

Gene: FANCA (FA complementation group A; minus strand). Cytogenetic location: 16q24.3.
Variant type: single nucleotide variant.
Coding change: c.2434C>T on transcript NM_000135.4 (MANE Select); coding-DNA position 2434, C replaced by T.
Protein change: p.Leu812Phe; replaces leucine 812 with phenylalanine.
Molecular consequence: missense variant.
Genome position (GRCh38, 1-based): chr16:89,769,907, G>A on the plus strand (C>T on the coding strand, the complement: FANCA is on the minus strand). VCF-style: chr16-89769907-G-A. GRCh37 (hg19) VCF-style: chr16-89836315-G-A.
Other names: c.2434C>T, p.Leu812Phe (NM_001286167.3); short protein forms L812F.
Identifiers: ClinVar variation 2576805 (VCV002576805.3), dbSNP rs2544195798, ClinGen allele CA397443454.